The following is an entry in ClinVar:

NM_005100.4(AKAP12):c.44C>G (p.Pro15Arg)

Gene: AKAP12 (A-kinase anchoring protein 12; plus strand). Cytogenetic location: 6q25.1.
Variant type: single nucleotide variant.
Coding change: c.44C>G on transcript NM_005100.4 (MANE Select); coding-DNA position 44, C replaced by G.
Protein change: p.Pro15Arg; replaces proline 15 with arginine.
Molecular consequence: missense variant.
Genome position (GRCh38, 1-based): chr6:151,240,606, C>G. VCF-style: chr6-151240606-C-G. GRCh37 (hg19) VCF-style: chr6-151561741-C-G.
Other names: short protein forms P15R.
Identifiers: ClinVar variation 3105121 (VCV003105121.5), dbSNP rs898508650, ClinGen allele CA150226063.
Genomic context (GRCh38, chr6:151,240,606, plus strand): 5'-AGAAGTGCGGAGGAGCCATGGGCGCCGGGAGCTCCACCGAGCAGCGCAGCCCGGAGCAGC[C>G]GCCCGAGGGGAGCTCCACGCCGGCTGAGCCCGAGCCCAGCGGCGGCGGCCCCTCGGCCGA-3'
Protein context (NP_005091.2, residues 5-25): SSTEQRSPEQ[Pro15Arg]PEGSSTPAEP

ClinVar aggregate classification (germline): Uncertain significance. Review status: criteria provided, multiple submitters, no conflicts (2 of 4 stars). 2 submissions from 2 submitters: Uncertain significance (2). Last evaluated 2026-01-01.

gnomAD v4.1: 20 of 1,420,044 alleles (0.0014%); highest among the groups gnomAD compares: African/African-American, 0.028%; no homozygotes.

Submissions (2):

CeGaT Center for Human Genetics Tuebingen
Classification: Uncertain significance. Last evaluated: 2026-01-01. Review status: criteria provided, single submitter. Criteria: CeGaT Center For Human Genetics Tuebingen Variant Classification Criteria Version 2. Collection method: clinical testing. Allele origin: germline. Affected: yes. Observed: 1 variant allele.
Comment: AKAP12: PM2:Supporting

Ambry Genetics
Classification: Uncertain significance. Last evaluated: 2024-01-03. Review status: criteria provided, single submitter. Criteria: Ambry Variant Classification Scheme 2023. Collection method: clinical testing. Allele origin: germline.